The following is an entry in ClinVar:

ClinVar aggregate classification (germline): Uncertain significance (1 of 4 stars; one submission).

Conditions:
Pallister-Hall syndrome (PHS). Also called: HYPOTHALAMIC HAMARTOBLASTOMA, HYPOPITUITARISM, IMPERFORATE ANUS, AND POSTAXIAL POLYDACTYLY; GLI3-Related Pallister-Hall Syndrome. Identifiers: Orphanet 672, MedGen C0265220, MONDO:0007804, OMIM 146510.
Greig cephalopolysyndactyly syndrome (GCPS). Also called: POLYSYNDACTYLY WITH PECULIAR SKULL SHAPE; Greig syndrome; GLI3-Related Greig Cephalopolysyndactyly Syndrome. Identifiers: Orphanet 380, MedGen C0265306, MONDO:0008287, OMIM 175700.

Submission:

Labcorp Genetics (formerly Invitae), Labcorp
Classification: Uncertain significance for Pallister-Hall syndrome; Greig cephalopolysyndactyly syndrome. Last evaluated: 2025-08-11. Review status: criteria provided, single submitter. Criteria: Invitae Variant Classification Sherloc (09022015). Collection method: clinical testing. Allele origin: germline.
Comment: This sequence change replaces serine, which is neutral and polar, with glycine, which is neutral and non-polar, at codon 1493 of the GLI3 protein (p.Ser1493Gly). This variant is not present in population databases (gnomAD no frequency). This variant has not been reported in the literature in individuals affected with GLI3-related conditions. ClinVar contains an entry for this variant (Variation ID: 2104273). Invitae Evidence Modeling of protein sequence and biophysical properties (such as structural, functional, and spatial information, amino acid conservation, physicochemical variation, residue mobility, and thermodynamic stability) indicates that this missense variant is not expected to disrupt GLI3 protein function with a negative predictive value of 95%. In summary, the available evidence is currently insufficient to determine the role of this variant in disease. Therefore, it has been classified as a Variant of Uncertain Significance.

NM_000168.6(GLI3):c.4477A>G (p.Ser1493Gly)

Gene: GLI3 (GLI family zinc finger 3; minus strand). Cytogenetic location: 7p14.1.
Variant type: single nucleotide variant.
Coding change: c.4477A>G on transcript NM_000168.6 (MANE Select); coding-DNA position 4477, A replaced by G.
Protein change: p.Ser1493Gly; replaces serine 1493 with glycine.
Molecular consequence: missense variant.
Genome position (GRCh38, 1-based): chr7:41,964,596, T>C on the plus strand (A>G on the coding strand, the complement: GLI3 is on the minus strand). VCF-style: chr7-41964596-T-C. GRCh37 (hg19) VCF-style: chr7-42004194-T-C.
Other names: short protein forms S1493G.
Identifiers: ClinVar variation 2104273 (VCV002104273.4), dbSNP rs2128704849, ClinGen allele CA367314944.
Genomic context (GRCh38, chr7:41,964,596, plus strand): 5'-CATCGTCTATGATGGCATCGAAGTCAATCTGTACCCCTTCCAGGTCATGGCTGTCGAGGC[T>C]GTCCACTGTGCTTGTCACCTGATTAGCACCTGGGGAAAGTAACTCAGAGTTTTTGGCGCT-3'
Protein context (NP_000159.3, residues 1483-1503): GANQVTSTVD[Ser1493Gly]LDSHDLEGVQ